The following is an entry in ClinVar:

ClinVar aggregate classification (germline): Conflicting classifications of pathogenicity. Review status: criteria provided, conflicting classifications (1 of 4 stars). 2 submissions from 2 submitters: Uncertain significance (1); Likely benign (1). Last evaluated 2023-04-06.

Conditions:
Deficiency of adenosine deaminase 2. Also called: Adenosine Deaminase 2 Deficiency; VASCULITIS, AUTOINFLAMMATION, IMMUNODEFICIENCY, AND HEMATOLOGIC DEFECTS SYNDROME; Polyarteritis nodosa, childhoood-onset. Identifiers: Orphanet 404553, MedGen C3887654, MONDO:0014306, OMIM 615688, MONDO:0100317.

Allele frequency attached by ClinVar (database versions not stated): gnomAD exomes 0.00001 and 0.00003; ExAC 0.00007; gnomAD 0.00012 and 0.00014; TOPMed 0.00012.
gnomAD v4.1: 31 of 1,611,478 alleles (0.0019%); highest among the groups gnomAD compares: African/African-American, 0.029%; no homozygotes.

Submissions (2):

Blueprint Genetics
Classification: Likely benign. Last evaluated: 2023-04-06. Review status: criteria provided, single submitter. Criteria: ACMG Guidelines, 2015. Collection method: clinical testing. Allele origin: germline.

Labcorp Genetics (formerly Invitae), Labcorp
Classification: Uncertain significance for Deficiency of adenosine deaminase 2. Last evaluated: 2022-10-21. Review status: criteria provided, single submitter. Criteria: Invitae Variant Classification Sherloc (09022015). Collection method: clinical testing. Allele origin: germline.
Comment: This sequence change affects codon 181 of the ADA2 mRNA. It is a 'silent' change, meaning that it does not change the encoded amino acid sequence of the ADA2 protein. It affects a nucleotide within the consensus splice site. This variant is present in population databases (rs751859598, gnomAD 0.04%). This variant has not been reported in the literature in individuals affected with ADA2-related conditions. ClinVar contains an entry for this variant (Variation ID: 1436108). Algorithms developed to predict the effect of sequence changes on RNA splicing suggest that this variant is not likely to affect RNA splicing. In summary, the available evidence is currently insufficient to determine the role of this variant in disease. Therefore, it has been classified as a Variant of Uncertain Significance.

NM_001282225.2(ADA2):c.543C>T (p.Ser181=)

Gene: ADA2 (adenosine deaminase 2; minus strand). Cytogenetic location: 22q11.1.
Variant type: single nucleotide variant.
Coding change: c.543C>T on transcript NM_001282225.2 (MANE Select); coding-DNA position 543, C replaced by T.
Protein change: p.Ser181=; no amino-acid change (serine 181 retained).
Molecular consequence: synonymous variant.
Genome position (GRCh38, 1-based): chr22:17,203,773, G>A on the plus strand (C>T on the coding strand, the complement: ADA2 is on the minus strand). VCF-style: chr22-17203773-G-A. GRCh37 (hg19) VCF-style: chr22-17684663-G-A.
Other names: c.543C>T, p.Ser181= (NM_001282226.2); c.417C>T, p.Ser139= (NM_001282227.2, NM_001282228.2); c.183C>T, p.Ser61= (NM_001282229.2).
Identifiers: ClinVar variation 1436108 (VCV001436108.6), dbSNP rs751859598, ClinGen allele CA10088190.
Genomic context (GRCh38, chr22:17,203,773, plus strand): 5'-ATTTTGGTTTGTGTAAATCACCTCCGGGTGCTGGGTCACCAGAGTGAAATTCCTCAGCAA[G>A]CTGTCCAAGACACGAAGTGGGGAGTGGCAGAGGCATGATCCAGGACACTGCCCCCGGGCG-3'
Protein context (NP_001269154.1, residues 171-191): RVQNVTEFDD[Ser181=]LLRNFTLVTQ